The following is an entry in ClinVar:

NM_001099857.5(IKBKG):c.1056-6=

Gene: IKBKG (inhibitor of nuclear factor kappa B kinase regulatory subunit gamma; plus strand). Cytogenetic location: Xq28.
Variant type: single nucleotide variant.
Coding change: c.1056-6= on transcript NM_001099857.5 (MANE Select); 6 bases into the intron before coding-DNA position 1056, no change from the reference sequence.
Molecular consequence: intron variant.
Genome position: GRCh38 VCF-style: chrX-154563953-C-C. GRCh37 (hg19) VCF-style: chrX-153792168-T-C.
Other names: c.1056-6= (NM_001377312.1, NM_001321396.3, NM_003639.4); c.1053-6= (NM_001377313.1, NM_001321397.3); c.1260-6= (NM_001099856.6); c.759-6= (NM_001145255.4); c.900-6= (NM_001377314.1); c.687-6= (NM_001377315.1).
Identifiers: ClinVar variation 36379 (VCV000036379.20), dbSNP rs5945206.

ClinVar aggregate classification (germline): Conflicting classifications of pathogenicity. Review status: criteria provided, conflicting classifications (1 of 4 stars). 4 submissions from 4 submitters: Uncertain significance (1); Benign (1). 2 of the submissions do not count toward it. Last evaluated 2022-07-01.

Conditions:
Ectodermal dysplasia and immunodeficiency 1 (EDAID1). Also called: ECTODERMAL DYSPLASIA AND IMMUNE DEFICIENCY 1; Hyper-IgM immunodeficiency, X-linked, with hypohidrotic ectodermal dysplasia; ECTODERMAL DYSPLASIA, ANHIDROTIC, WITH IMMUNE DEFICIENCY. Identifiers: Orphanet 238468, Orphanet 98813, MedGen C1846008, MONDO:0020740, OMIM 300291.

Submissions (4):

ARUP Laboratories, Molecular Genetics and Genomics, ARUP Laboratories
Classification: Benign. Last evaluated: 2022-07-01. Review status: criteria provided, single submitter. Criteria: ARUP Molecular Germline Variant Investigation Process 2021. Collection method: clinical testing. Allele origin: germline.

Women's Health and Genetics/Laboratory Corporation of America, LabCorp
Classification: Uncertain significance for Hypohidrotic Ectodermal Dysplasia with Immune Deficiency. Last evaluated: 2011-08-18. Review status: criteria provided, single submitter. Criteria: LabCorp Variant Classification Summary - May 2015. Collection method: curation, clinical testing. Allele origin: germline. Inheritance: Xlinked recessive. Affected: yes. Observed: 4 variant alleles.
ClinVar note: Converted during submission from uncertain to Uncertain significance.

Clinical Genetics, Academic Medical Center
Classification: Benign. Review status: no assertion criteria provided. Collection method: clinical testing. Allele origin: germline. Affected: yes. Study: VKGL Data-share Consensus. Not counted in ClinVar's aggregate classification.

Genome Diagnostics Laboratory, University Medical Center Utrecht
Classification: Benign. Review status: no assertion criteria provided. Collection method: clinical testing. Allele origin: germline. Affected: yes. Study: VKGL Data-share Consensus. Not counted in ClinVar's aggregate classification.

Literature cited by the submitters: PubMed 11590134 (cited by Women's Health and Genetics/Laboratory Corporation of America, LabCorp); PubMed 17910706 (cited by Women's Health and Genetics/Laboratory Corporation of America, LabCorp); PubMed 19903677 (cited by Women's Health and Genetics/Laboratory Corporation of America, LabCorp).